The following is an entry in ClinVar:

ClinVar aggregate classification (germline): Uncertain significance (1 of 4 stars; one submission).

Conditions:
Deficiency of adenosine deaminase 2. Also called: Adenosine Deaminase 2 Deficiency; VASCULITIS, AUTOINFLAMMATION, IMMUNODEFICIENCY, AND HEMATOLOGIC DEFECTS SYNDROME; Polyarteritis nodosa, childhoood-onset. Identifiers: Orphanet 404553, MedGen C3887654, MONDO:0014306, OMIM 615688, MONDO:0100317.

Allele frequency attached by ClinVar (database versions not stated): gnomAD exomes below 0.00001; TOPMed below 0.00001; gnomAD 0.00001.
gnomAD v4.1: 5 of 1,613,906 alleles (0.00031%); highest among the groups gnomAD compares: Middle Eastern, 0.016%; no homozygotes.

Submission:

Labcorp Genetics (formerly Invitae), Labcorp
Classification: Uncertain significance for Deficiency of adenosine deaminase 2. Last evaluated: 2024-11-05. Review status: criteria provided, single submitter. Criteria: Invitae Variant Classification Sherloc (09022015). Collection method: clinical testing. Allele origin: germline.
Comment: This sequence change replaces methionine, which is neutral and non-polar, with threonine, which is neutral and polar, at codon 309 of the ADA2 protein (p.Met309Thr). This variant is present in population databases (no rsID available, gnomAD 0.004%). This variant has not been reported in the literature in individuals affected with ADA2-related conditions. ClinVar contains an entry for this variant (Variation ID: 2084768). Invitae Evidence Modeling of protein sequence and biophysical properties (such as structural, functional, and spatial information, amino acid conservation, physicochemical variation, residue mobility, and thermodynamic stability) has been performed for this missense variant. However, the output from this modeling did not meet the statistical confidence thresholds required to predict the impact of this variant on ADA2 protein function. In summary, the available evidence is currently insufficient to determine the role of this variant in disease. Therefore, it has been classified as a Variant of Uncertain Significance.

NM_001282225.2(ADA2):c.926T>C (p.Met309Thr)

Gene: ADA2 (adenosine deaminase 2; minus strand). Cytogenetic location: 22q11.1.
Variant type: single nucleotide variant.
Coding change: c.926T>C on transcript NM_001282225.2 (MANE Select); coding-DNA position 926, T replaced by C.
Protein change: p.Met309Thr; replaces methionine 309 with threonine.
Molecular consequence: missense variant.
Genome position (GRCh38, 1-based): chr22:17,189,988, A>G on the plus strand (T>C on the coding strand, the complement: ADA2 is on the minus strand). VCF-style: chr22-17189988-A-G. GRCh37 (hg19) VCF-style: chr22-17670878-A-G.
Other names: c.926T>C, p.Met309Thr (NM_001282226.2); c.800T>C, p.Met267Thr (NM_001282227.2, NM_001282228.2); c.566T>C, p.Met189Thr (NM_001282229.2); c.203T>C, p.Met68Thr (NM_177405.3); short protein forms M68T, M189T, M267T, M309T.
Identifiers: ClinVar variation 2084768 (VCV002084768.4), dbSNP rs1484632427, ClinGen allele CA410233744.
Genomic context (GRCh38, chr22:17,189,988, plus strand): 5'-ACAGCATGGGTTACCAGGTCAAACCCTGCCACCACCGTGGGGAACTTGATTCGGAGCCCC[A>G]TGGCCATTCGGATGGATTCTGCGATGACAGCCACATCTTTGGATCTGTGAGACAGACAGA-3'
Protein context (NP_001269154.1, residues 299-319): AVIAESIRMA[Met309Thr]GLRIKFPTVV